The following is an entry in ClinVar:

ClinVar aggregate classification (germline): Uncertain significance. Review status: criteria provided, multiple submitters, no conflicts (2 of 4 stars). 2 submissions from 2 submitters: Uncertain significance (2). Last evaluated 2026-03-30.

Conditions:
Developmental and epileptic encephalopathy, 42 (DEE42A). Also called: Epileptic encephalopathy, early infantile, 42; DEVELOPMENTAL AND EPILEPTIC ENCEPHALOPATHY 42A; EPILEPTIC ENCEPHALOPATHY, EARLY INFANTILE, 42A. Identifiers: MedGen C4310716, MONDO:0014917, OMIM 617106.
Episodic ataxia type 2 (EA2). Also called: ACETAZOLAMIDE-RESPONSIVE HEREDITARY PAROXYSMAL CEREBELLAR ATAXIA; ATAXIA, EPISODIC, WITH NYSTAGMUS; ATAXIA, FAMILIAL PAROXYSMAL; CEREBELLAR ATAXIA, PAROXYSMAL, ACETAZOLAMIDE-RESPONSIVE; CEREBELLOPATHY, HEREDITARY PAROXYSMAL; EPISODIC ATAXIA, NYSTAGMUS-ASSOCIATED. Identifiers: Orphanet 97, MedGen C1720416, MONDO:0007163, OMIM 108500.

Submissions (2):

GeneDx
Classification: Uncertain significance. Last evaluated: 2026-03-30. Review status: criteria provided, single submitter. Criteria: GeneDx Variant Classification Process June 2021. Collection method: clinical testing. Allele origin: germline.
Comment: Not observed at significant frequency in large population cohorts (gnomAD); In silico analysis supports that this missense variant has a deleterious effect on protein structure/function; Has not been previously published as pathogenic or benign to our knowledge

Labcorp Genetics (formerly Invitae), Labcorp
Classification: Uncertain significance for Developmental and epileptic encephalopathy, 42; Episodic ataxia type 2. Last evaluated: 2022-07-12. Review status: criteria provided, single submitter. Criteria: Invitae Variant Classification Sherloc (09022015). Collection method: clinical testing. Allele origin: germline.
Comment: In summary, the available evidence is currently insufficient to determine the role of this variant in disease. Therefore, it has been classified as a Variant of Uncertain Significance. Algorithms developed to predict the effect of missense changes on protein structure and function are either unavailable or do not agree on the potential impact of this missense change (SIFT: "Deleterious"; PolyPhen-2: "Possibly Damaging"; Align-GVGD: "Class C0"). This variant has not been reported in the literature in individuals affected with CACNA1A-related conditions. This variant is not present in population databases (gnomAD no frequency). This sequence change replaces alanine, which is neutral and non-polar, with serine, which is neutral and polar, at codon 1538 of the CACNA1A protein (p.Ala1538Ser).

NM_001127222.2(CACNA1A):c.4609G>T (p.Ala1537Ser)

Gene: CACNA1A (calcium voltage-gated channel subunit alpha1 A; minus strand). Cytogenetic location: 19p13.13.
Variant type: single nucleotide variant.
Coding change: c.4609G>T on transcript NM_001127222.2 (MANE Select); coding-DNA position 4609, G replaced by T.
Protein change: p.Ala1537Ser; replaces alanine 1537 with serine.
Molecular consequence: missense variant.
Genome position (GRCh38, 1-based): chr19:13,255,241, C>A on the plus strand (G>T on the coding strand, the complement: CACNA1A is on the minus strand). VCF-style: chr19-13255241-C-A. GRCh37 (hg19) VCF-style: chr19-13366055-C-A.
Other names: c.4621G>T, p.Ala1541Ser (NM_000068.4, NM_023035.3); c.4612G>T, p.Ala1538Ser (NM_001127221.2, NM_001174080.2); short protein forms A1538S, A1537S, A1541S.
Identifiers: ClinVar variation 2059723 (VCV002059723.5), dbSNP rs773209223, ClinGen allele CA404338646.